The following is an entry in ClinVar:

NM_001378452.1(ITPR1):c.3564+3A>G

Gene: ITPR1 (inositol 1,4,5-trisphosphate receptor type 1; plus strand). Cytogenetic location: 3p26.1.
Variant type: single nucleotide variant.
Coding change: c.3564+3A>G on transcript NM_001378452.1 (MANE Select); 3 bases into the intron after coding-DNA position 3564, A replaced by G.
Molecular consequence: intron variant.
Genome position (GRCh38, 1-based): chr3:4,684,349, A>G. VCF-style: chr3-4684349-A-G. GRCh37 (hg19) VCF-style: chr3-4726033-A-G.
Other names: c.3537+3A>G (NM_001099952.4); c.3519+3A>G (NM_001168272.2); c.3492+3A>G (NM_002222.7).
Identifiers: ClinVar variation 2251267 (VCV002251267.2), dbSNP rs376995397, ClinGen allele CA68827924.

ClinVar aggregate classification (germline): Uncertain significance (1 of 4 stars; one submission).

Conditions:
Inborn genetic diseases. Identifiers: MedGen C0950123, MeSH D030342.

Allele frequency attached by ClinVar (database versions not stated): gnomAD exomes below 0.00001; TOPMed 0.00001; ESP Exome Variant Server 0.00008.
gnomAD v4.1: 4 of 1,605,392 alleles (0.00025%); highest among the groups gnomAD compares: Non-Finnish European, 0.00034%; no homozygotes.

Submission:

Ambry Genetics
Classification: Uncertain significance for Inborn genetic diseases. Last evaluated: 2021-11-05. Review status: criteria provided, single submitter. Criteria: Ambry Variant Classification Scheme 2023. Collection method: clinical testing. Allele origin: germline.
Comment: The c.3492+3A>G intronic alteration consists of a A to G substitution 3 nucleotides after exon 28 (coding exon 26) of the ITPR1 gene. Based on insufficient or conflicting evidence, the clinical significance of this alteration remains unclear.